The following is an entry in ClinVar:

NM_000287.4(PEX6):c.1642A>G (p.Met548Val)

Gene: PEX6 (peroxisomal biogenesis factor 6; minus strand). Cytogenetic location: 6p21.1.
Variant type: single nucleotide variant.
Coding change: c.1642A>G on transcript NM_000287.4 (MANE Select); coding-DNA position 1642, A replaced by G.
Protein change: p.Met548Val; replaces methionine 548 with valine.
Molecular consequence: missense variant. On other transcripts: non-coding transcript variant (1).
Genome position (GRCh38, 1-based): chr6:42,968,336, T>C on the plus strand (A>G on the coding strand, the complement: PEX6 is on the minus strand). VCF-style: chr6-42968336-T-C. GRCh37 (hg19) VCF-style: chr6-42936074-T-C.
Other names: c.1378A>G, p.Met460Val (NM_001316313.2); short protein forms M548V, M460V.
Identifiers: ClinVar variation 1896055 (VCV001896055.4), dbSNP rs370743684, ClinGen allele CA138225499.

ClinVar aggregate classification (germline): Uncertain significance (1 of 4 stars; one submission).

Conditions:
Peroxisome biogenesis disorder. Identifiers: Orphanet 79189, MedGen C1832200, MONDO:0019234. Disease mechanism: loss of function.

Allele frequency attached by ClinVar (database versions not stated): gnomAD 0.00001; gnomAD exomes 0.00001; ESP Exome Variant Server 0.00008.
gnomAD v4.1: 10 of 1,614,018 alleles (0.00062%); highest among the groups gnomAD compares: African/African-American, 0.0013%; no homozygotes.

Submission:

Labcorp Genetics (formerly Invitae), Labcorp
Classification: Uncertain significance for Peroxisome biogenesis disorder. Last evaluated: 2025-10-27. Review status: criteria provided, single submitter. Criteria: Invitae Variant Classification Sherloc (09022015). Collection method: clinical testing. Allele origin: germline.
Comment: This sequence change replaces methionine, which is neutral and non-polar, with valine, which is neutral and non-polar, at codon 548 of the PEX6 protein (p.Met548Val). This variant is not present in population databases (gnomAD no frequency). This variant has not been reported in the literature in individuals affected with PEX6-related conditions. ClinVar contains an entry for this variant (Variation ID: 1896055). Invitae Evidence Modeling of protein sequence and biophysical properties (such as structural, functional, and spatial information, amino acid conservation, physicochemical variation, residue mobility, and thermodynamic stability) indicates that this missense variant is not expected to disrupt PEX6 protein function with a negative predictive value of 95%. In summary, the available evidence is currently insufficient to determine the role of this variant in disease. Therefore, it has been classified as a Variant of Uncertain Significance.